The following is an entry in ClinVar:

NM_002838.5(PTPRC):c.2885T>C (p.Ile962Thr)

Gene: PTPRC (protein tyrosine phosphatase receptor type C; plus strand). Cytogenetic location: 1q32.1.
Variant type: single nucleotide variant.
Coding change: c.2885T>C on transcript NM_002838.5 (MANE Select); coding-DNA position 2885, T replaced by C.
Protein change: p.Ile962Thr; replaces isoleucine 962 with threonine.
Molecular consequence: missense variant.
Genome position (GRCh38, 1-based): chr1:198,748,146, T>C. VCF-style: chr1-198748146-T-C. GRCh37 (hg19) VCF-style: chr1-198717275-T-C.
Other names: c.2402T>C, p.Ile801Thr (NM_080921.4); short protein forms I801T, I962T.
Identifiers: ClinVar variation 1032852 (VCV001032852.5), dbSNP rs766748068, ClinGen allele CA1315279.

ClinVar aggregate classification (germline): Uncertain significance. Review status: criteria provided, multiple submitters, no conflicts (2 of 4 stars). 2 submissions from 2 submitters: Uncertain significance (2). Last evaluated 2026-03-01.

Conditions:
Immunodeficiency 104. Also called: Severe combined immunodeficiency, autosomal recessive, T cell-negative, B cell-positive, NK cell-positive; IMMUNODEFICIENCY 104, SEVERE COMBINED; Severe Combined Immune Deficiency, Autosomal Recessive, TCell -Negative, B Cell-Positive, NK Cell-Positive, IL7R-Related; SCID, AUTOSOMAL RECESSIVE, T CELL-NEGATIVE, B CELL-POSITIVE, NK CELL-POSITIVE. Identifiers: MedGen C5676890, MONDO:0012163, OMIM 608971.

Allele frequency attached by ClinVar (database versions not stated): ExAC 0.00001; gnomAD 0.00001; gnomAD exomes 0.00001.
gnomAD v4.1: 10 of 1,603,742 alleles (0.00062%); highest among the groups gnomAD compares: Admixed American, 0.0084%; no homozygotes.

Submissions (2):

CeGaT Center for Human Genetics Tuebingen
Classification: Uncertain significance. Last evaluated: 2026-03-01. Review status: criteria provided, single submitter. Criteria: CeGaT Center For Human Genetics Tuebingen Variant Classification Criteria Version 2. Collection method: clinical testing. Allele origin: germline. Affected: yes. Observed: 1 variant allele.
Comment: PTPRC: PM2, BP4

Baylor Genetics
Classification: Uncertain significance for Immunodeficiency 104. Last evaluated: 2018-03-08. Review status: criteria provided, single submitter. Criteria: ACMG Guidelines, 2015. Collection method: clinical testing. Allele origin: maternal. Affected: yes.
Comment: This variant was determined to be of uncertain significance according to ACMG Guidelines, 2015 [PMID:25741868].